The following is an entry in ClinVar:

ClinVar aggregate classification (germline): Uncertain significance (1 of 4 stars; one submission).

Conditions:
Hereditary cancer-predisposing syndrome. Also called: Neoplastic Syndromes, Hereditary; Tumor predisposition; Hereditary Cancer Syndrome; Hereditary neoplastic syndrome. Identifiers: Orphanet 140162, MedGen C0027672, MeSH D009386, MONDO:0015356.

Allele frequency attached by ClinVar (database versions not stated): TOPMed below 0.00001.

Submission:

Ambry Genetics
Classification: Uncertain significance for Hereditary cancer-predisposing syndrome. Last evaluated: 2022-07-12. Review status: criteria provided, single submitter. Criteria: Ambry Variant Classification Scheme 2023. Collection method: clinical testing. Allele origin: germline.
Comment: The p.Q417L variant (also known as c.1250A>T), located in coding exon 9 of the PTCH1 gene, results from an A to T substitution at nucleotide position 1250. The glutamine at codon 417 is replaced by leucine, an amino acid with dissimilar properties. This amino acid position is conserved. In addition, this alteration is predicted to be deleterious by in silico analysis. Since supporting evidence is limited at this time, the clinical significance of this alteration remains unclear.

NM_000264.5(PTCH1):c.1250A>T (p.Gln417Leu)

Gene: PTCH1 (patched 1; minus strand). Cytogenetic location: 9q22.32.
Variant type: single nucleotide variant.
Coding change: c.1250A>T on transcript NM_000264.5 (MANE Select); coding-DNA position 1250, A replaced by T.
Protein change: p.Gln417Leu; replaces glutamine 417 with leucine.
Molecular consequence: missense variant. On other transcripts: non-coding transcript variant (1).
Genome position (GRCh38, 1-based): chr9:95,478,152, T>A on the plus strand (A>T on the coding strand, the complement: PTCH1 is on the minus strand). VCF-style: chr9-95478152-T-A. GRCh37 (hg19) VCF-style: chr9-98240434-T-A.
Other names: c.1052A>T, p.Gln351Leu (NM_001083602.3); c.1247A>T, p.Gln416Leu (NM_001083603.3); c.797A>T, p.Gln266Leu (NM_001083604.3, NM_001083605.3, NM_001083606.3 and 1 more transcripts); c.1250A>T, p.Gln417Leu (NM_001354918.2); short protein forms Q351L, Q266L, Q416L, Q417L.
Identifiers: ClinVar variation 1760600 (VCV001760600.2), dbSNP rs1060502270, ClinGen allele CA374118901.
Genomic context (GRCh38, chr9:95,478,152, plus strand): 5'-ACGTCAGAGAAGGATTTCAGGATGTCGTCCAGGGTCGTGGTGGTGAAGGAAAGCACCTTT[T>A]GAGTGGAGTTCTGTGCGACACTCTGATGAACCACCTGTGGTCACAACAGAATGCGAAATG-3'
Protein context (NP_000255.2, residues 407-427): VHQSVAQNST[Gln417Leu]KVLSFTTTTL